The following is an entry in ClinVar:

NM_017934.7(PHIP):c.3691A>G (p.Ile1231Val)

Genes: IRAK1BP1 (interleukin 1 receptor associated kinase 1 binding protein 1; plus strand), PHIP (PHIP subunit of CUL4-Ring ligase complex; minus strand). Cytogenetic location: 6q14.1.
Variant type: single nucleotide variant.
Coding change: c.3691A>G on transcript NM_017934.7 (MANE Select); coding-DNA position 3691, A replaced by G.
Protein change: p.Ile1231Val; replaces isoleucine 1231 with valine.
Molecular consequence: missense variant.
Genome position (GRCh38, 1-based): chr6:78,958,566, T>C on the plus strand (A>G on the coding strand, the complement: PHIP is on the minus strand). VCF-style: chr6-78958566-T-C. GRCh37 (hg19) VCF-style: chr6-79668283-T-C.
Other names: c.3691A>G (NM_017934.6); short protein forms I1231V.
Identifiers: ClinVar variation 985013 (VCV000985013.8), dbSNP rs1766573428, ClinGen allele CA364645002.

ClinVar aggregate classification (germline): Uncertain significance. Review status: criteria provided, multiple submitters, no conflicts (2 of 4 stars). 3 submissions from 3 submitters: Uncertain significance (3). Last evaluated 2026-03-26.

Conditions:
Inborn genetic diseases. Identifiers: MedGen C0950123, MeSH D030342.
PHIP-related disorder. Also called: PHIP-related condition; PHIP-related disorders.

Allele frequency attached by ClinVar (database versions not stated): gnomAD exomes below 0.00001; TOPMed 0.00001.
gnomAD v4.1: 1 of 1,580,412 alleles (0.000063%); highest among the groups gnomAD compares: Non-Finnish European, 0.000087%; no homozygotes.

Submissions (3):

PreventionGenetics, part of Exact Sciences
Classification: Uncertain significance for PHIP-related condition. Last evaluated: 2026-03-26. Review status: criteria provided, single submitter. Criteria: ACMG Guidelines, 2015. Collection method: clinical testing. Allele origin: germline.
Comment: The PHIP c.3691A>G variant is predicted to result in the amino acid substitution p.Ile1231Val. To our knowledge, this variant has not been reported in the literature or in a large population database (gnomAD), indicating this variant is rare. At this time, the clinical significance of this variant is uncertain due to the absence of conclusive functional and genetic evidence.

Labcorp Genetics (formerly Invitae), Labcorp
Classification: Uncertain significance. Last evaluated: 2023-01-16. Review status: criteria provided, single submitter. Criteria: Invitae Variant Classification Sherloc (09022015). Collection method: clinical testing. Allele origin: germline.
Comment: In summary, the available evidence is currently insufficient to determine the role of this variant in disease. Therefore, it has been classified as a Variant of Uncertain Significance. Advanced modeling of protein sequence and biophysical properties (such as structural, functional, and spatial information, amino acid conservation, physicochemical variation, residue mobility, and thermodynamic stability) performed at Invitae indicates that this missense variant is not expected to disrupt PHIP protein function. ClinVar contains an entry for this variant (Variation ID: 985013). This variant has not been reported in the literature in individuals affected with PHIP-related conditions. This variant is not present in population databases (gnomAD no frequency). This sequence change replaces isoleucine, which is neutral and non-polar, with valine, which is neutral and non-polar, at codon 1231 of the PHIP protein (p.Ile1231Val).

Ambry Genetics
Classification: Uncertain significance for Inborn genetic diseases. Last evaluated: 2020-03-30. Review status: criteria provided, single submitter. Criteria: Ambry Variant Classification Scheme 2023. Collection method: clinical testing. Allele origin: germline.
Comment: The alteration results in an amino acid change:_x000D_ _x000D_ The c.3691A>G (p.I1231V) alteration is located in coding exon 32 of the PHIP gene. This alteration results from an A to G substitution at nucleotide position 3691, causing the isoleucine (I) at amino acid position 1231 to be replaced by a valine (V). The alteration is not observed in population databases: _x000D_ _x000D_ Based on data from the Genome Aggregation Database (gnomAD), the PHIP c.3691A>G alteration was not observed, with coverage at this position. The altered amino acid is conserved throughout evolution:_x000D_ _x000D_ The p.I1231 amino acid is conserved in available vertebrate species. The alteration is predicted tolerated by in silico modeling:_x000D_ _x000D_ The p.I1231V alteration is predicted to be tolerated by in silico analysis. Based on insufficient or conflicting evidence, the clinical significance of this alteration remains unclear.